The following is an entry in ClinVar:

ClinVar aggregate classification (germline): Conflicting classifications of pathogenicity. Review status: criteria provided, conflicting classifications (1 of 4 stars). 10 submissions from 10 submitters: Uncertain significance (1); Benign (4); Likely benign (3). 2 of the submissions do not count toward it. Last evaluated 2026-02-03.

Conditions:
TSC2-related disorder. Also called: TSC2-related condition; TSC2-Related Disorders.
Tuberous sclerosis syndrome (TSC). Also called: Tuberous Sclerosis Complex; Tuberous sclerosis. Identifiers: Orphanet 805, MedGen C0041341, MONDO:0001734.
Hereditary cancer-predisposing syndrome. Also called: Neoplastic Syndromes, Hereditary; Tumor predisposition; Hereditary Cancer Syndrome; Hereditary neoplastic syndrome. Identifiers: Orphanet 140162, MedGen C0027672, MeSH D009386, MONDO:0015356.
Tuberous sclerosis 2 (TSC2). Identifiers: Orphanet 805, MedGen C1860707, MONDO:0013199, OMIM 613254.

Allele frequency attached by ClinVar (database versions not stated): gnomAD below 0.00001 and 0.00004; gnomAD exomes 0.00011 and 0.00024; 1000 Genomes Project 30x 0.00016; ExAC 0.00051; 1000 Genomes Project 0.00020.
gnomAD v4.1: 154 of 1,598,788 alleles (0.0096%); highest among the groups gnomAD compares: South Asian, 0.17%; 3 homozygotes.

Submissions (10):

Labcorp Genetics (formerly Invitae), Labcorp
Classification: Benign for Tuberous sclerosis 2. Last evaluated: 2026-02-03. Review status: criteria provided, single submitter. Criteria: Invitae Variant Classification Sherloc (09022015). Collection method: clinical testing. Allele origin: germline.

Quest Diagnostics Nichols Institute San Juan Capistrano
Classification: Benign. Last evaluated: 2025-03-22. Review status: criteria provided, single submitter. Criteria: Quest Diagnostics criteria. Collection method: clinical testing. Allele origin: unknown.

Myriad Genetics, Inc.
Classification: Likely benign for Tuberous sclerosis 2. Last evaluated: 2024-08-20. Review status: criteria provided, single submitter. Criteria: Myriad Autosomal Dominant, Autosomal Recessive and X-Linked Classification Criteria (2023). Collection method: clinical testing. Allele origin: unknown.
Comment: This variant is considered likely benign. This variant has been observed at a population frequency that is significantly greater than expected given the associated disease prevalence and penetrance.

All of Us Research Program, National Institutes of Health
Classification: Likely benign for Tuberous sclerosis syndrome. Last evaluated: 2023-08-08. Review status: criteria provided, single submitter. Criteria: ACMG Guidelines, 2015. Collection method: clinical testing. Allele origin: germline. Inheritance: Autosomal dominant inheritance. Observed: 1 variant allele, 1 heterozygote.
Comment: This study involves interpretation of variants in research participants for the purpose of population health screening. Participant phenotype was not available at the time of variant classification. Additional details can be found in publication PMID: 35346344, PMCID: PMC8962531

Revvity Omics, Revvity
Classification: Uncertain significance for Tuberous sclerosis 2. Last evaluated: 2023-08-03. Review status: criteria provided, single submitter. Criteria: ACMG Guidelines, 2015. Collection method: clinical testing. Allele origin: germline.

Genome-Nilou Lab
Classification: Benign for Tuberous sclerosis 2. Last evaluated: 2021-11-07. Review status: criteria provided, single submitter. Criteria: ACMG Guidelines, 2015. Collection method: clinical testing. Allele origin: germline. Affected: no.

GeneDx
Classification: Benign. Last evaluated: 2020-12-29. Review status: criteria provided, single submitter. Criteria: GeneDx Variant Classification Process June 2021. Collection method: clinical testing. Allele origin: germline. Affected: yes.
Comment: This variant is associated with the following publications: (PMID: 15595939, 32906206)

Ambry Genetics
Classification: Likely benign for Hereditary cancer-predisposing syndrome. Last evaluated: 2020-05-15. Review status: criteria provided, single submitter. Criteria: Ambry Variant Classification Scheme 2023. Collection method: clinical testing. Allele origin: germline.

PreventionGenetics, part of Exact Sciences
Classification: Likely benign for TSC2-related condition. Last evaluated: 2023-06-12. Review status: no assertion criteria provided. Collection method: clinical testing. Allele origin: germline. Not counted in ClinVar's aggregate classification.
Comment: This variant is classified as likely benign based on ACMG/AMP sequence variant interpretation guidelines (Richards et al. 2015 PMID: 25741868, with internal and published modifications).

Tuberous sclerosis database (TSC2)
No classification provided. Condition: TSC. Review status: no classification provided. Criteria: Tuberous Sclerosis Database Assertion Criteria 2015. Collection method: curation. Allele origin: germline. Affected: yes. Not counted in ClinVar's aggregate classification.

Literature cited by the submitters: PubMed 15595939 (cited by Ambry Genetics); PubMed 23514105 (cited by Ambry Genetics); PubMed 25593300 (cited by Ambry Genetics).

NM_000548.5(TSC2):c.4023C>A (p.Ser1341Arg)

Gene: TSC2 (TSC complex subunit 2; plus strand). Cytogenetic location: 16p13.3.
Variant type: single nucleotide variant.
Coding change: c.4023C>A on transcript NM_000548.5 (MANE Select); coding-DNA position 4023, C replaced by A.
Protein change: p.Ser1341Arg; replaces serine 1341 with arginine.
Molecular consequence: missense variant.
Genome position (GRCh38, 1-based): chr16:2,084,245, C>A. VCF-style: chr16-2084245-C-A. GRCh37 (hg19) VCF-style: chr16-2134246-C-A.
Other names: c.3822C>A, p.Ser1274Arg (NM_001077183.3); c.3954C>A, p.Ser1318Arg (NM_001114382.3); c.3714C>A, p.Ser1238Arg (NM_001318827.2); c.3678C>A, p.Ser1226Arg (NM_001318829.2); c.3291C>A, p.Ser1097Arg (NM_001318831.2); c.3855C>A, p.Ser1285Arg (NM_001318832.2); c.3825C>A, p.Ser1275Arg (NM_001363528.2); c.3891C>A, p.Ser1297Arg (NM_001370404.1); and 2 more; short protein forms S1341R, S1226R, S1297R, S1274R, S1275R, S1318R, S1285R, S1298R.
Identifiers: ClinVar variation 49282 (VCV000049282.23), dbSNP rs45462593, ClinGen allele CA019836.